The following is an entry in ClinVar:

ClinVar aggregate classification (germline): Uncertain significance. Review status: criteria provided, multiple submitters, no conflicts (2 of 4 stars). 5 submissions from 5 submitters: Uncertain significance (3). 2 of the submissions do not count toward it. Last evaluated 2026-08-10.

Conditions:
Retinal dystrophy. Also called: Inherited retinal dystrophy. Identifiers: Orphanet 71862, MedGen C0854723, MeSH D058499, MONDO:0019118, HP:0000556.
Enhanced S-cone syndrome (ESCS). Identifiers: Orphanet 53540, MedGen C1849394, MONDO:0100288, MONDO:0009989.
Retinitis pigmentosa 37 (RP37). Identifiers: Orphanet 791, MedGen C1970163, MONDO:0012625, OMIM 611131.
NR2E3-related disorder. Also called: NR2E3-related disorders; NR2E3-related condition. Identifiers: MedGen CN239387.

Allele frequency attached by ClinVar (database versions not stated): TOPMed 0.00002; gnomAD exomes 0.00003 and 0.00005; gnomAD 0.00004 and 0.00005; ExAC 0.00007; 1000 Genomes Project 30x 0.00016; 1000 Genomes Project 0.00020.
gnomAD v4.1: 52 of 1,613,852 alleles (0.0032%); highest among the groups gnomAD compares: South Asian, 0.018%; 2 homozygotes.

Submissions (5):

PreventionGenetics, part of Exact Sciences
Classification: Uncertain significance for NR2E3-related condition. Last evaluated: 2026-08-10. Review status: criteria provided, single submitter. Criteria: ACMG Guidelines, 2015. Collection method: clinical testing. Allele origin: germline.
Comment: The NR2E3 c.677G>A variant is predicted to result in the amino acid substitution p.Arg226His. To our knowledge, this variant has not been reported in the literature. This variant is present in 0.026% of alleles in individuals of South Asian descent in gnomAD. At this time, the clinical significance of this variant is uncertain due to the absence of conclusive functional and genetic evidence.

Labcorp Genetics (formerly Invitae), Labcorp
Classification: Uncertain significance. Last evaluated: 2022-07-05. Review status: criteria provided, single submitter. Criteria: Invitae Variant Classification Sherloc (09022015). Collection method: clinical testing. Allele origin: germline.
Comment: This sequence change replaces arginine with histidine at codon 226 of the NR2E3 protein (p.Arg226His). The arginine residue is highly conserved and there is a small physicochemical difference between arginine and histidine. This variant is present in population databases (rs544290323, gnomAD 0.03%), including at least one homozygous and/or hemizygous individual. This variant has not been reported in the literature in individuals affected with NR2E3-related conditions. ClinVar contains an entry for this variant (Variation ID: 554361). In summary, the available evidence is currently insufficient to determine the role of this variant in disease. Therefore, it has been classified as a Variant of Uncertain Significance.

Breakthrough Genomics
Classification: Uncertain significance. Review status: criteria provided, single submitter. Criteria: ACMG Guidelines, 2015. Collection method: not provided. Allele origin: germline. Inheritance: Autosomal recessive inheritance. Affected: yes.

Institute of Human Genetics, Univ. Regensburg, Univ. Regensburg
Classification: Uncertain significance for Retinal dystrophy. Last evaluated: 2023-01-01. Review status: no assertion criteria provided. Criteria: ACMG Guidelines, 2015. Collection method: clinical testing. Allele origin: germline. Affected: yes. Not counted in ClinVar's aggregate classification.

Counsyl
Classification: Uncertain significance for Retinitis pigmentosa 37; ENHANCED S-CONE SYNDROME 1. Last evaluated: 2017-10-17. Review status: no assertion criteria provided. Collection method: clinical testing. Allele origin: unknown. Not counted in ClinVar's aggregate classification.

NM_014249.4(NR2E3):c.677G>A (p.Arg226His)

Gene: NR2E3 (nuclear receptor subfamily 2 group E member 3; plus strand). Cytogenetic location: 15q23.
Variant type: single nucleotide variant.
Coding change: c.677G>A on transcript NM_014249.4 (MANE Select); coding-DNA position 677, G replaced by A.
Protein change: p.Arg226His; replaces arginine 226 with histidine.
Molecular consequence: missense variant.
Genome position (GRCh38, 1-based): chr15:71,812,441, G>A. VCF-style: chr15-71812441-G-A. GRCh37 (hg19) VCF-style: chr15-72104781-G-A.
Other names: c.677G>A, p.Arg226His (NM_016346.4); c.677G>A (NM_014249.3); short protein forms R226H.
Identifiers: ClinVar variation 554361 (VCV000554361.7), dbSNP rs544290323, ClinGen allele CA7640372.